The following is an entry in ClinVar:

NM_002971.6(SATB1):c.922G>A (p.Val308Ile)

Gene: SATB1 (SATB homeobox 1; minus strand). Cytogenetic location: 3p24.3.
Variant type: single nucleotide variant.
Coding change: c.922G>A on transcript NM_002971.6 (MANE Select); coding-DNA position 922, G replaced by A.
Protein change: p.Val308Ile; replaces valine 308 with isoleucine.
Molecular consequence: missense variant.
Genome position (GRCh38, 1-based): chr3:18,394,746, C>T on the plus strand (G>A on the coding strand, the complement: SATB1 is on the minus strand). VCF-style: chr3-18394746-C-T. GRCh37 (hg19) VCF-style: chr3-18436238-C-T.
Other names: c.922G>A, p.Val308Ile (NM_001131010.4, NM_001195470.3, NM_001322871.2 and 4 more transcripts); c.706G>A, p.Val236Ile (NM_001322876.2); c.922G>A (NM_001195470.2); short protein forms V236I, V308I.
Identifiers: ClinVar variation 2653616 (VCV002653616.25), dbSNP rs767699690, ClinGen allele CA2282108.

ClinVar aggregate classification (germline): Uncertain significance. Review status: criteria provided, single submitter (1 of 4 stars). 2 submissions from 2 submitters: Uncertain significance (1). 1 of the submissions does not count toward it. Last evaluated 2022-03-01.

Conditions:
SATB1-related disorder. Also called: SATB1-related condition.

Allele frequency attached by ClinVar (database versions not stated): ExAC 0.00001; gnomAD 0.00001; TOPMed 0.00001.
gnomAD v4.1: 10 of 1,613,954 alleles (0.00062%); highest among the groups gnomAD compares: Admixed American, 0.005%; no homozygotes.

Submissions (2):

CeGaT Center for Human Genetics Tuebingen
Classification: Uncertain significance. Last evaluated: 2022-03-01. Review status: criteria provided, single submitter. Criteria: CeGaT Center For Human Genetics Tuebingen Variant Classification Criteria Version 2. Collection method: clinical testing. Allele origin: germline. Affected: yes. Observed: 1 variant allele.
Comment: SATB1: PP2

PreventionGenetics, part of Exact Sciences
Classification: Uncertain significance for SATB1-related condition. Last evaluated: 2024-05-24. Review status: no assertion criteria provided. Collection method: clinical testing. Allele origin: germline. Not counted in ClinVar's aggregate classification.
Comment: The SATB1 c.922G>A variant is predicted to result in the amino acid substitution p.Val308Ile. To our knowledge, this variant has not been reported in the literature. This variant is reported in 0.0018% of alleles in individuals of European (Non-Finnish) descent in gnomAD. At this time, the clinical significance of this variant is uncertain due to the absence of conclusive functional and genetic evidence.